The following is an entry in ClinVar:

NM_001167.4(XIAP):c.*4658C>T

Gene: XIAP (X-linked inhibitor of apoptosis; plus strand). Cytogenetic location: Xq25.
Variant type: single nucleotide variant.
Coding change: c.*4658C>T on transcript NM_001167.4 (MANE Select); 4658 bases downstream of the stop codon, C replaced by T.
Molecular consequence: 3 prime UTR variant. On other transcripts: non-coding transcript variant (2).
Genome position (GRCh38, 1-based): chrX:123,911,839, C>T. VCF-style: chrX-123911839-C-T. GRCh37 (hg19) VCF-style: chrX-123045689-C-T.
Other names: c.*4658C>T (NM_001204401.2, NM_001378590.1, NM_001378591.1 and 1 more transcripts).
Identifiers: ClinVar variation 914744 (VCV000914744.4), dbSNP rs28382753, ClinGen allele CA10508367.

ClinVar aggregate classification (germline): Benign (1 of 4 stars; one submission).

Conditions:
X-linked lymphoproliferative disease due to XIAP deficiency. Also called: XIAP-Related Lymphoproliferative Disease, X-Linked; XIAP DEFICIENCY. Identifiers: Orphanet 2442, Orphanet 538934, MedGen C1845076, MONDO:0010385, OMIM 300635.

Allele frequency attached by ClinVar (database versions not stated): ExAC 0.00102; gnomAD exomes 0.00156 and 0.00258; gnomAD 0.01055 and 0.01131; TOPMed 0.01173; 1000 Genomes Project 30x 0.01186; 1000 Genomes Project 0.01192.

Submission:

Illumina Laboratory Services, Illumina
Classification: Benign for X-linked lymphoproliferative disease due to XIAP deficiency. Last evaluated: 2018-01-12. Review status: criteria provided, single submitter. Criteria: ICSL Variant Classification Criteria 13 December 2019. Collection method: clinical testing. Allele origin: germline.
Comment: This variant was observed in the ICSL laboratory as part of a predisposition screen in an ostensibly healthy population. It had not been previously curated by ICSL or reported in the Human Gene Mutation Database (HGMD: prior to June 1st, 2018), and was therefore a candidate for classification through an automated scoring system. Utilizing variant allele frequency, disease prevalence and penetrance estimates, and inheritance mode, an automated score was calculated to assess if this variant is too frequent to cause the disease. Based on the score and internal cut-off values, a variant classified as benign is not then subjected to further curation. The score for this variant resulted in a classification of benign for this disease.